The following is an entry in ClinVar:

ClinVar aggregate classification (germline): Uncertain significance (1 of 4 stars; one submission).

gnomAD v4.1: 3 of 1,613,310 alleles (0.00019%); highest among the groups gnomAD compares: Non-Finnish European, 0.00025%; no homozygotes.

Submission:

Labcorp Genetics (formerly Invitae), Labcorp
Classification: Uncertain significance. Last evaluated: 2024-05-12. Review status: criteria provided, single submitter. Criteria: Invitae Variant Classification Sherloc (09022015). Collection method: clinical testing. Allele origin: germline.
Comment: This sequence change falls in intron 8 of the MYLK3 gene. It does not directly change the encoded amino acid sequence of the MYLK3 protein. It affects a nucleotide within the consensus splice site. This variant is not present in population databases (gnomAD no frequency). This variant has not been reported in the literature in individuals affected with MYLK3-related conditions. Variants that disrupt the consensus splice site are a relatively common cause of aberrant splicing (PMID: 17576681, 9536098). Algorithms developed to predict the effect of sequence changes on RNA splicing suggest that this variant is not likely to affect RNA splicing. In summary, the available evidence is currently insufficient to determine the role of this variant in disease. Therefore, it has been classified as a Variant of Uncertain Significance.

Literature cited by the submitters: PubMed 17576681; PubMed 9536098.

NM_182493.3(MYLK3):c.1914+4G>A

Gene: MYLK3 (myosin light chain kinase 3; minus strand). Cytogenetic location: 16q11.2.
Variant type: single nucleotide variant.
Coding change: c.1914+4G>A on transcript NM_182493.3 (MANE Select); 4 bases into the intron after coding-DNA position 1914, G replaced by A.
Molecular consequence: intron variant.
Genome position (GRCh38, 1-based): chr16:46,727,232, C>T on the plus strand (G>A on the coding strand, the complement: MYLK3 is on the minus strand). VCF-style: chr16-46727232-C-T. GRCh37 (hg19) VCF-style: chr16-46761144-C-T.
Other names: c.891+4G>A (NM_001308301.1).
Identifiers: ClinVar variation 3653102 (VCV003653102.2).